The following is an entry in ClinVar:

GRCh38/hg38 22q11.21(chr22:18153983-21110475)x3

Genes: AIFM3 (AIF family member 3; plus strand), ARVCF (ARVCF delta catenin family member; minus strand), C22orf39 (chromosome 22 open reading frame 39; minus strand), CCDC188 (coiled-coil domain containing 188; minus strand), CDC45 (cell division cycle 45; plus strand) and 187 more. Cytogenetic location: 22q11.21.
Variant type: copy number gain.
Change: copy number 3 (three copies instead of two) of chr22:18,153,983-21,110,475 (2.96 Mb, GRCh38 coordinates, 1-based), cytogenetic band 22q11.21.
Identifiers: ClinVar variation 4796155 (VCV004796155.1).

ClinVar aggregate classification (germline): Pathogenic (1 of 4 stars; one submission).

Submission:

Medical Genetic Center, Changzhi Maternal and Child Health Care Hospital
Classification: Pathogenic. Last evaluated: 2025-12-10. Review status: criteria provided, single submitter. Criteria: ACMG/ClinGen CNV Guidelines, 2019. Collection method: clinical testing. Allele origin: unknown.
Comment: 2A:22q11.2 recurrent (DGS/VCFS) region (proximal, A-D) (includes TBX1)